The following is an entry in ClinVar:

ClinVar aggregate classification (germline): Uncertain significance. Review status: criteria provided, multiple submitters, no conflicts (2 of 4 stars). 2 submissions from 2 submitters: Uncertain significance (2). Last evaluated 2024-12-05.

Conditions:
Hereditary cancer-predisposing syndrome. Also called: Neoplastic Syndromes, Hereditary; Hereditary neoplastic syndrome; Hereditary Cancer Syndrome; Tumor predisposition. Identifiers: Orphanet 140162, MedGen C0027672, MeSH D009386, MONDO:0015356.
Hereditary breast ovarian cancer syndrome. Also called: Hereditary breast and ovarian cancer syndrome; Breast and ovarian cancer; Hereditary breast and ovarian cancer syndrome (HBOC); Hereditary breast and/or ovarian cancer syndrome; BRCA1- and BRCA2-Associated Hereditary Breast and Ovarian Cancer; Hereditary breast and ovarian cancer. Identifiers: Orphanet 145, MedGen C0677776, MeSH D061325, MONDO:0003582. Disease mechanism: loss of function.

Submissions (3):

Labcorp Genetics (formerly Invitae), Labcorp
Classification: Uncertain significance for Hereditary breast ovarian cancer syndrome. Last evaluated: 2024-12-05. Review status: criteria provided, single submitter. Criteria: Invitae Variant Classification Sherloc (09022015). Collection method: clinical testing. Allele origin: germline.
Comment: This sequence change replaces aspartic acid, which is acidic and polar, with valine, which is neutral and non-polar, at codon 67 of the BRCA1 protein (p.Asp67Val). This variant is not present in population databases (gnomAD no frequency). This variant has not been reported in the literature in individuals affected with BRCA1-related conditions. ClinVar contains an entry for this variant (Variation ID: 409307). Invitae Evidence Modeling incorporating data from in vitro experimental studies (PMID: 30209399) indicates that this missense variant is not expected to disrupt BRCA1 function with a negative predictive value of 95%. Experimental studies have shown that this missense change does not substantially affect BRCA1 function (PMID: 30209399). In summary, the available evidence is currently insufficient to determine the role of this variant in disease. Therefore, it has been classified as a Variant of Uncertain Significance.

Color Diagnostics, LLC DBA Color Health
Classification: Uncertain significance for Hereditary cancer-predisposing syndrome. Last evaluated: 2020-12-23. Review status: criteria provided, single submitter. Criteria: ACMG Guidelines, 2015. Collection method: clinical testing. Allele origin: germline.
Comment: This missense variant replaces aspartic acid with valine at codon 67 of the BRCA1 protein. Computational prediction is inconclusive regarding the impact of this variant on protein structure and function (internally defined REVEL score threshold 0.5 < inconclusive < 0.7, PMID: 27666373). A functional study has shown that this variant protein is functional in a survival assay in the human haploid cell line (PMID: 30209399). To our knowledge, this variant has not been reported in individuals affected with hereditary cancer in the literature. This variant has not been identified in the general population by the Genome Aggregation Database (gnomAD). The available evidence is insufficient to determine the role of this variant in disease conclusively. Therefore, this variant is classified as a Variant of Uncertain Significance.

Brotman Baty Institute, University of Washington
No classification provided (evidence only). Condition: Breast-ovarian cancer, familial 1. Review status: no classification provided. Collection method: in vitro. Allele origin: not applicable. Functional consequence: functionally_normal. Not counted in ClinVar's aggregate classification.
ClinVar note: "not provided" was previously submitted as the classification for the variant. However, the classification appeared to be based only on an observation of functional data so it was converted to no classification on 2025-07-30.

Literature cited by the submitters: PubMed 30209399 (cited by Labcorp Genetics (formerly Invitae), Labcorp).

NM_007294.4(BRCA1):c.200A>T (p.Asp67Val)

Gene: BRCA1 (BRCA1 DNA repair associated; minus strand). Cytogenetic location: 17q21.31.
Variant type: single nucleotide variant.
Coding change: c.200A>T on transcript NM_007294.4 (MANE Select); coding-DNA position 200, A replaced by T.
Protein change: p.Asp67Val; replaces aspartic acid 67 with valine.
Molecular consequence: missense variant.
Genome position (GRCh38, 1-based): chr17:43,106,468, T>A on the plus strand (A>T on the coding strand, the complement: BRCA1 is on the minus strand). VCF-style: chr17-43106468-T-A. GRCh37 (hg19) VCF-style: chr17-41258485-T-A.
Other names: c.200A>T, p.Asp67Val (NM_001407581.1, NM_001407582.1, NM_001407583.1 and 168 more transcripts); c.59A>T, p.Asp20Val (NM_001407692.1, NM_001407694.1, NM_001407695.1 and 99 more transcripts); short protein forms D67V, D20V.
Identifiers: ClinVar variation 409307 (VCV000409307.16), dbSNP rs1060502331, ClinGen allele CA10601766.